The following is an entry in ClinVar:

NM_004638.4(PRRC2A):c.6248T>C (p.Phe2083Ser)

Gene: PRRC2A (proline rich coiled-coil 2A; plus strand). Cytogenetic location: 6p21.33.
Variant type: single nucleotide variant.
Coding change: c.6248T>C on transcript NM_004638.4 (MANE Select); coding-DNA position 6248, T replaced by C.
Protein change: p.Phe2083Ser; replaces phenylalanine 2083 with serine.
Molecular consequence: missense variant.
Genome position (GRCh38, 1-based): chr6:31,637,239, T>C. VCF-style: chr6-31637239-T-C. GRCh37 (hg19) VCF-style: chr6-31605016-T-C.
Other names: c.6248T>C, p.Phe2083Ser (NM_080686.3); short protein forms F2083S.
Identifiers: ClinVar variation 3055548 (VCV003055548.10), dbSNP rs35595439, ClinGen allele CA3716807.

ClinVar aggregate classification (germline): Benign. Review status: criteria provided, single submitter (1 of 4 stars). 2 submissions from 2 submitters: Benign (1). 1 of the submissions does not count toward it. Last evaluated 2025-07-01.

Conditions:
PRRC2A-related disorder. Also called: PRRC2A-related condition.

Allele frequency attached by ClinVar (database versions not stated): ESP Exome Variant Server 0.00605; gnomAD 0.00837; 1000 Genomes Project 0.00839; 1000 Genomes Project 30x 0.00874; TOPMed 0.00904; gnomAD exomes 0.00977; ExAC 0.01054.
gnomAD v4.1: 15,773 of 1,611,058 alleles (0.98%); highest among the groups gnomAD compares: Middle Eastern, 9.7%; 212 homozygotes.

Submissions (2):

CeGaT Center for Human Genetics Tuebingen
Classification: Benign. Last evaluated: 2025-07-01. Review status: criteria provided, single submitter. Criteria: CeGaT Center For Human Genetics Tuebingen Variant Classification Criteria Version 2. Collection method: clinical testing. Allele origin: germline. Affected: yes. Observed: 1 variant allele.
Comment: PRRC2A: BS1, BS2

PreventionGenetics, part of Exact Sciences
Classification: Benign for PRRC2A-related condition. Last evaluated: 2019-02-27. Review status: no assertion criteria provided. Collection method: clinical testing. Allele origin: germline. Not counted in ClinVar's aggregate classification.
Comment: This variant is classified as benign based on ACMG/AMP sequence variant interpretation guidelines (Richards et al. 2015 PMID: 25741868, with internal and published modifications).